The following is an entry in ClinVar:

NM_002691.4(POLD1):c.2816C>G (p.Ser939Trp)

Gene: POLD1 (DNA polymerase delta 1, catalytic subunit; plus strand). Cytogenetic location: 19q13.33.
Variant type: single nucleotide variant.
Coding change: c.2816C>G on transcript NM_002691.4 (MANE Select); coding-DNA position 2816, C replaced by G.
Protein change: p.Ser939Trp; replaces serine 939 with tryptophan.
Molecular consequence: missense variant.
Genome position (GRCh38, 1-based): chr19:50,415,822, C>G. VCF-style: chr19-50415822-C-G. GRCh37 (hg19) VCF-style: chr19-50919079-C-G.
Other names: S939W; c.2816C>G (NM_002691.2); c.2816C>G, p.Ser939Trp (NM_001256849.1); c.2894C>G, p.Ser965Trp (NM_001308632.1); short protein forms S965W.
Identifiers: ClinVar variation 1174544 (VCV001174544.2), dbSNP rs1064795958.

ClinVar aggregate classification (germline): Uncertain significance (1 of 4 stars; one submission).

Conditions:
Hereditary cancer-predisposing syndrome. Also called: Hereditary neoplastic syndrome; Hereditary Cancer Syndrome; Neoplastic Syndromes, Hereditary; Tumor predisposition. Identifiers: Orphanet 140162, MedGen C0027672, MeSH D009386, MONDO:0015356.

Submission:

Ambry Genetics
Classification: Uncertain significance for Hereditary cancer-predisposing syndrome. Last evaluated: 2024-11-08. Review status: criteria provided, single submitter. Criteria: Ambry Variant Classification Scheme 2023. Collection method: clinical testing. Allele origin: germline.
Comment: The p.S939W variant (also known as c.2816C>G), located in coding exon 21 of the POLD1 gene, results from a C to G substitution at nucleotide position 2816. The serine at codon 939 is replaced by tryptophan, an amino acid with highly dissimilar properties. This amino acid position is well conserved in available vertebrate species. In addition, the in silico prediction for this alteration is inconclusive. Based on the available evidence, the clinical significance of this variant remains unclear.